The following is an entry in ClinVar:

NM_006648.4(WNK2):c.5479C>T (p.Pro1827Ser)

Gene: WNK2 (WNK lysine deficient protein kinase 2; plus strand). Cytogenetic location: 9q22.31.
Variant type: single nucleotide variant.
Coding change: c.5479C>T on transcript NM_006648.4 (MANE Select); coding-DNA position 5479, C replaced by T.
Protein change: p.Pro1827Ser; replaces proline 1827 with serine.
Molecular consequence: missense variant.
Genome position (GRCh38, 1-based): chr9:93,292,944, C>T. VCF-style: chr9-93292944-C-T. GRCh37 (hg19) VCF-style: chr9-96055226-C-T.
Other names: c.5590C>T, p.Pro1864Ser (NM_001282394.3); short protein forms P1827S, P1864S.
Identifiers: ClinVar variation 3470547 (VCV003470547.1).

ClinVar aggregate classification (germline): Uncertain significance (1 of 4 stars; one submission).

Submission:

Ambry Genetics
Classification: Uncertain significance. Last evaluated: 2024-12-01. Review status: criteria provided, single submitter. Criteria: Ambry Variant Classification Scheme 2023. Collection method: clinical testing. Allele origin: germline.
Comment: The p.P1827S variant (also known as c.5479C>T), located in coding exon 22 of the WNK2 gene, results from a C to T substitution at nucleotide position 5479. The proline at codon 1827 is replaced by serine, an amino acid with similar properties. This amino acid position is conserved. In addition, this alteration is predicted to be tolerated by in silico analysis. Based on the available evidence, the clinical significance of this variant remains unclear.